The following is an entry in ClinVar:

NM_000218.3(KCNQ1):c.1393+23352T>C

Genes: KCNQ1 (potassium voltage-gated channel subfamily Q member 1; plus strand), KCNQ1OT1 (KCNQ1 opposite strand/antisense transcript 1; minus strand). Cytogenetic location: 11p15.5.
Variant type: single nucleotide variant.
Coding change: c.1393+23352T>C on transcript NM_000218.3 (MANE Select); 23352 bases into the intron after coding-DNA position 1393, T replaced by C.
Molecular consequence: intron variant. On other transcripts: non-coding transcript variant (1).
Genome position (GRCh38, 1-based): chr11:2,612,206, T>C. VCF-style: chr11-2612206-T-C. GRCh37 (hg19) VCF-style: chr11-2633436-T-C.
Other names: c.1123+23352T>C (NM_001406837.1); c.1297+23352T>C (NM_001406836.1); c.853+23352T>C (NM_001406838.1); c.1012+23352T>C (NM_181798.2).
Identifiers: ClinVar variation 2641367 (VCV002641367.24), dbSNP rs566110198, ClinGen allele CA216357378.

ClinVar aggregate classification (germline): Likely benign (1 of 4 stars; one submission).

Allele frequency attached by ClinVar (database versions not stated): gnomAD 0.00016; TOPMed 0.00028; gnomAD exomes 0.00044.
gnomAD v4.1: 137 of 398,548 alleles (0.034%); highest among the groups gnomAD compares: Middle Eastern, 0.19%; no homozygotes.

Submission:

CeGaT Center for Human Genetics Tuebingen
Classification: Likely benign. Last evaluated: 2024-03-01. Review status: criteria provided, single submitter. Criteria: CeGaT Center For Human Genetics Tuebingen Variant Classification Criteria Version 2. Collection method: clinical testing. Allele origin: germline. Affected: yes. Observed: 4 variant alleles.
Comment: KCNQ1OT1: BS2